The following is an entry in ClinVar:

NM_019042.5(PUS7):c.761G>A (p.Arg254Lys)

Gene: PUS7 (pseudouridine synthase 7; minus strand). Cytogenetic location: 7q22.3.
Variant type: single nucleotide variant.
Coding change: c.761G>A on transcript NM_019042.5 (MANE Select); coding-DNA position 761, G replaced by A.
Protein change: p.Arg254Lys; replaces arginine 254 with lysine.
Molecular consequence: missense variant.
Genome position (GRCh38, 1-based): chr7:105,495,223, C>T on the plus strand (G>A on the coding strand, the complement: PUS7 is on the minus strand). VCF-style: chr7-105495223-C-T. GRCh37 (hg19) VCF-style: chr7-105135670-C-T.
Other names: c.779G>A, p.Arg260Lys (NM_001318163.1); c.761G>A, p.Arg254Lys (NM_001318164.2); short protein forms R254K, R260K.
Identifiers: ClinVar variation 1309926 (VCV001309926.3), dbSNP rs761478623, ClinGen allele CA4426082.

ClinVar aggregate classification (germline): Uncertain significance (1 of 4 stars; one submission).

Allele frequency attached by ClinVar (database versions not stated): gnomAD exomes below 0.00001 and 0.00002; gnomAD 0.00001; TOPMed 0.00001; ExAC 0.00002.
gnomAD v4.1: 5 of 1,612,170 alleles (0.00031%); highest among the groups gnomAD compares: Admixed American, 0.0067%; no homozygotes.

Submission:

GeneDx
Classification: Uncertain significance. Last evaluated: 2024-10-21. Review status: criteria provided, single submitter. Criteria: GeneDx Variant Classification Process June 2021. Collection method: clinical testing. Allele origin: germline. Affected: yes.
Comment: In silico analysis, which includes protein predictors and evolutionary conservation, supports that this variant does not alter protein structure/function; Has not been previously published as pathogenic or benign to our knowledge